The following is an entry in ClinVar:

ClinVar aggregate classification (germline): Uncertain significance. Review status: criteria provided, multiple submitters, no conflicts (2 of 4 stars). 2 submissions from 2 submitters: Uncertain significance (2). Last evaluated 2024-05-25.

Conditions:
Renal cell carcinoma. Identifiers: Orphanet 217071, MedGen C0007134, MeSH D002292, MONDO:0005086, HP:0005584.
Hereditary cancer-predisposing syndrome. Also called: Neoplastic Syndromes, Hereditary; Tumor predisposition; Hereditary Cancer Syndrome; Hereditary neoplastic syndrome. Identifiers: Orphanet 140162, MedGen C0027672, MeSH D009386, MONDO:0015356.

Allele frequency attached by ClinVar (database versions not stated): gnomAD exomes below 0.00001.
gnomAD v4.1: 1 of 1,614,156 alleles (0.000062%); highest among the groups gnomAD compares: Non-Finnish European, 0.000085%; no homozygotes.

Submissions (2):

Ambry Genetics
Classification: Uncertain significance for Hereditary cancer-predisposing syndrome. Last evaluated: 2024-05-25. Review status: criteria provided, single submitter. Criteria: Ambry Variant Classification Scheme 2023. Collection method: clinical testing. Allele origin: germline.
Comment: The p.Q1035R variant (also known as c.3104A>G), located in coding exon 14 of the MET gene, results from an A to G substitution at nucleotide position 3104. The glutamine at codon 1035 is replaced by arginine, an amino acid with highly similar properties. This amino acid position is conserved. In addition, this alteration is predicted to be deleterious by in silico analysis. Based on the available evidence, the clinical significance of this variant remains unclear.

Labcorp Genetics (formerly Invitae), Labcorp
Classification: Uncertain significance for Renal cell carcinoma. Last evaluated: 2022-08-04. Review status: criteria provided, single submitter. Criteria: Invitae Variant Classification Sherloc (09022015). Collection method: clinical testing. Allele origin: germline.
Comment: Algorithms developed to predict the effect of missense changes on protein structure and function are either unavailable or do not agree on the potential impact of this missense change (SIFT: "Deleterious"; PolyPhen-2: "Probably Damaging"; Align-GVGD: "Class C0"). This variant has not been reported in the literature in individuals affected with MET-related conditions. This variant is not present in population databases (gnomAD no frequency). This sequence change replaces glutamine, which is neutral and polar, with arginine, which is basic and polar, at codon 1035 of the MET protein (p.Gln1035Arg). In summary, the available evidence is currently insufficient to determine the role of this variant in disease. Therefore, it has been classified as a Variant of Uncertain Significance.

NM_000245.4(MET):c.3050A>G (p.Gln1017Arg)

Gene: MET (MET proto-oncogene, receptor tyrosine kinase; plus strand). Cytogenetic location: 7q31.2.
Variant type: single nucleotide variant.
Coding change: c.3050A>G on transcript NM_000245.4 (MANE Select); coding-DNA position 3050, A replaced by G.
Protein change: p.Gln1017Arg; replaces glutamine 1017 with arginine.
Molecular consequence: missense variant.
Genome position (GRCh38, 1-based): chr7:116,774,902, A>G. VCF-style: chr7-116774902-A-G. GRCh37 (hg19) VCF-style: chr7-116414956-A-G.
Other names: c.3104A>G, p.Gln1035Arg (NM_001127500.3); c.1760A>G, p.Gln587Arg (NM_001324402.2); short protein forms Q1017R, Q1035R, Q587R.
Identifiers: ClinVar variation 1714991 (VCV001714991.6), dbSNP rs2117029679, ClinGen allele CA368987830.